The following is an entry in ClinVar:

NM_000256.3(MYBPC3):c.2605C>T (p.Pro869Ser)

Gene: MYBPC3 (myosin binding protein C3; minus strand). Cytogenetic location: 11p11.2.
Variant type: single nucleotide variant.
Coding change: c.2605C>T on transcript NM_000256.3 (MANE Select); coding-DNA position 2605, C replaced by T.
Protein change: p.Pro869Ser; replaces proline 869 with serine.
Molecular consequence: missense variant.
Genome position (GRCh38, 1-based): chr11:47,336,009, G>A on the plus strand (C>T on the coding strand, the complement: MYBPC3 is on the minus strand). VCF-style: chr11-47336009-G-A. GRCh37 (hg19) VCF-style: chr11-47357560-G-A.
Other names: short protein forms P869S.
Identifiers: ClinVar variation 925330 (VCV000925330.6), dbSNP rs1219654172, ClinGen allele CA380317463.

ClinVar aggregate classification (germline): Uncertain significance. Review status: criteria provided, multiple submitters, no conflicts (2 of 4 stars). 3 submissions from 3 submitters: Uncertain significance (3). Last evaluated 2023-02-06.

Conditions:
Cardiovascular phenotype. Identifiers: MedGen CN230736.
Cardiomyopathy (CMYO). Also called: Cardiomyopathies. Identifiers: Orphanet 167848, MedGen C0878544, MONDO:0004994, HP:0001638. Inheritance: Various modes of inheritance.

Allele frequency attached by ClinVar (database versions not stated): TOPMed below 0.00001; gnomAD 0.00001.

Submissions (3):

GeneDx
Classification: Uncertain significance. Last evaluated: 2023-02-06. Review status: criteria provided, single submitter. Criteria: GeneDx Variant Classification Process June 2021. Collection method: clinical testing. Allele origin: germline. Affected: yes.
Comment: Has not been previously published as pathogenic or benign to our knowledge; Not observed at significant frequency in large population cohorts (gnomAD); In silico analysis supports that this missense variant has a deleterious effect on protein structure/function

Ambry Genetics
Classification: Uncertain significance for Cardiovascular phenotype. Last evaluated: 2023-01-09. Review status: criteria provided, single submitter. Criteria: Ambry Variant Classification Scheme 2023. Collection method: clinical testing. Allele origin: germline.
Comment: The p.P869S variant (also known as c.2605C>T), located in coding exon 26 of the MYBPC3 gene, results from a C to T substitution at nucleotide position 2605. The proline at codon 869 is replaced by serine, an amino acid with similar properties. This amino acid position is highly conserved in available vertebrate species. In addition, the in silico prediction for this alteration is inconclusive. Since supporting evidence is limited at this time, the clinical significance of this alteration remains unclear.

Color Diagnostics, LLC DBA Color Health
Classification: Uncertain significance for Cardiomyopathy. Last evaluated: 2018-12-03. Review status: criteria provided, single submitter. Criteria: ACMG Guidelines, 2015. Collection method: clinical testing. Allele origin: germline.
Comment: Variant of Uncertain Significance due to insufficient evidence: This variant is located in the fibronectin type 3 domain C6 of the MYBPC3 protein. Computational prediction tools and conservation analyses are inconclusive regarding the impact of this variant on the protein function. Computational splicing tools suggest that this variant may not impact RNA splicing. To our knowledge, functional assays have not been performed for this variant nor has this variant been reported in individuals affected with cardiovascular disorders in the literature. This variant is rare in the general population and has been identified in 0/277264 chromosomes by the Genome Aggregation Database (gnomAD). Available evidence is insufficient to determine the pathogenicity of this variant conclusively.